The following is an entry in ClinVar:

NM_000535.7(PMS2):c.751G>T (p.Val251Leu)

Gene: PMS2 (PMS1 homolog 2, mismatch repair system component; minus strand). Cytogenetic location: 7p22.1.
Variant type: single nucleotide variant.
Coding change: c.751G>T on transcript NM_000535.7 (MANE Select); coding-DNA position 751, G replaced by T.
Protein change: p.Val251Leu; replaces valine 251 with leucine.
Molecular consequence: missense variant. On other transcripts: 5 prime UTR variant (2), non-coding transcript variant (1).
Genome position (GRCh38, 1-based): chr7:5,997,378, C>A on the plus strand (G>T on the coding strand, the complement: PMS2 is on the minus strand). VCF-style: chr7-5997378-C-A. GRCh37 (hg19) VCF-style: chr7-6037009-C-A.
Other names: c.346G>T, p.Val116Leu (NM_001322003.2, NM_001322004.2, NM_001322005.2 and 2 more transcripts); c.751G>T, p.Val251Leu (NM_001322006.2, NM_001322014.2); c.433G>T, p.Val145Leu (NM_001322007.2, NM_001322008.2); c.-183G>T (NM_001322011.2, NM_001322012.2); c.178G>T, p.Val60Leu (NM_001322013.2); c.442G>T, p.Val148Leu (NM_001322015.2); short protein forms V145L, V251L, V60L, V116L, V148L.
Identifiers: ClinVar variation 1419072 (VCV001419072.6), dbSNP rs142434011, ClinGen allele CA051517.

ClinVar aggregate classification (germline): Uncertain significance (1 of 4 stars; one submission).

Conditions:
Hereditary nonpolyposis colorectal neoplasms. Identifiers: MedGen C0009405, MeSH D003123.

gnomAD v4.1: 1 of 1,606,006 alleles (0.000062%); highest among the groups gnomAD compares: South Asian, 0.0011%; no homozygotes.

Submission:

Labcorp Genetics (formerly Invitae), Labcorp
Classification: Uncertain significance for Hereditary nonpolyposis colorectal neoplasms. Last evaluated: 2023-07-10. Review status: criteria provided, single submitter. Criteria: Invitae Variant Classification Sherloc (09022015). Collection method: clinical testing. Allele origin: germline.
Comment: This sequence change replaces valine, which is neutral and non-polar, with leucine, which is neutral and non-polar, at codon 251 of the PMS2 protein (p.Val251Leu). The frequency data for this variant in the population databases is considered unreliable, as metrics indicate poor data quality at this position in the gnomAD database. This variant has not been reported in the literature in individuals affected with PMS2-related conditions. ClinVar contains an entry for this variant (Variation ID: 1419072). Advanced modeling of protein sequence and biophysical properties (such as structural, functional, and spatial information, amino acid conservation, physicochemical variation, residue mobility, and thermodynamic stability) performed at Invitae indicates that this missense variant is expected to disrupt PMS2 protein function. In summary, the available evidence is currently insufficient to determine the role of this variant in disease. Therefore, it has been classified as a Variant of Uncertain Significance.